The following is an entry in ClinVar:

NM_015122.3(FCHO1):c.2427G>A (p.Trp809Ter)

Gene: FCHO1 (FCH and mu domain containing endocytic adaptor 1; plus strand). Cytogenetic location: 19p13.11.
Variant type: single nucleotide variant.
Coding change: c.2427G>A on transcript NM_015122.3 (MANE Select); coding-DNA position 2427, G replaced by A.
Protein change: p.Trp809Ter; replaces tryptophan 809 with a stop codon.
Molecular consequence: nonsense. On other transcripts: missense variant (3), synonymous variant (2), non-coding transcript variant (36).
Genome position (GRCh38, 1-based): chr19:17,786,574, G>A. VCF-style: chr19-17786574-G-A. GRCh37 (hg19) VCF-style: chr19-17897383-G-A.
Other names: c.2277G>A, p.Trp759Ter (NM_001384386.1, NM_001161359.2, NM_001384384.1 and 1 more transcripts); c.2406G>A, p.Trp802Ter (NM_001384387.1); c.2388G>A, p.Trp796Ter (NM_001384388.1, NM_001384389.1); c.2352G>A, p.Trp784Ter (NM_001384390.1); c.2227G>A, p.Glu743Lys (NM_001384391.1); c.2310G>A, p.Trp770Ter (NM_001384392.1, NM_001384393.1, NM_001384394.1 and 1 more transcripts); c.2427G>A, p.Trp809Ter (NM_001161357.2, NM_001161358.2, NM_001384370.1 and 11 more transcripts); c.2151G>A, p.Trp717Ter (NM_001384396.1, NM_001384397.1, NM_001384398.1 and 4 more transcripts); and 5 more; short protein forms E601K, E743K, W702*, E651K, W717*, W759*, W770*, W784*.
Identifiers: ClinVar variation 2815349 (VCV002815349.3), dbSNP rs2514358325, ClinGen allele CA404758494.

ClinVar aggregate classification (germline): Pathogenic (1 of 4 stars; one submission).

Submission:

Labcorp Genetics (formerly Invitae), Labcorp
Classification: Pathogenic. Last evaluated: 2022-11-19. Review status: criteria provided, single submitter. Criteria: Invitae Variant Classification Sherloc (09022015). Collection method: clinical testing. Allele origin: germline.
Comment: For these reasons, this variant has been classified as Pathogenic. This variant has not been reported in the literature in individuals affected with FCHO1-related conditions. This variant is not present in population databases (gnomAD no frequency). This sequence change creates a premature translational stop signal (p.Trp809*) in the FCHO1 gene. It is expected to result in an absent or disrupted protein product. Loss-of-function variants in FCHO1 are known to be pathogenic (PMID: 30822429).

Literature cited by the submitters: PubMed 30822429.